The following is an entry in ClinVar:

NM_001099857.5(IKBKG):c.792dup (p.Gln265fs)

Gene: IKBKG (inhibitor of nuclear factor kappa B kinase regulatory subunit gamma; plus strand). Cytogenetic location: Xq28.
Variant type: Duplication.
Coding change: c.792dup on transcript NM_001099857.5 (MANE Select); coding-DNA position 792, one base duplicated (A; older notation c.792dupA).
Protein change: p.Gln265fs; shifts the reading frame from glutamine 265.
Molecular consequence: frameshift variant. On other transcripts: non-coding transcript variant (1), intron variant (1).
Genome position (GRCh38, 1-based): chrX:154,562,833, A duplicated; the last of 3 consecutive A bases (chrX:154,562,831-154,562,833); duplicating any one gives the same sequence. VCF-style (leftmost placement, unchanged base first): chrX-154562830-C-CA. GRCh37 (hg19) VCF-style: chrX-153791045-C-CA.
Other names: c.996dup, p.Gln333fs (NM_001099856.6); c.792dup, p.Gln265fs (NM_001321396.3, NM_001377312.1, NM_003639.4); c.789dup, p.Gln264fs (NM_001321397.3, NM_001377313.1); c.636dup, p.Gln213fs (NM_001377314.1); c.423dup, p.Gln142fs (NM_001377315.1); c.616-726dup (NM_001145255.4); c.792dupA (NM_003639.3); c.792dup (NM_003639.3); short protein forms Q333fs, Q264fs, Q265fs, Q142fs, Q213fs.
Identifiers: ClinVar variation 449492 (VCV000449492.3), dbSNP rs1237384577, ClinGen allele CA658659076.

ClinVar aggregate classification (germline): Pathogenic (1 of 4 stars; one submission).

Submission:

GeneDx
Classification: Pathogenic. Last evaluated: 2024-06-12. Review status: criteria provided, single submitter. Criteria: GeneDx Variant Classification Process June 2021. Collection method: clinical testing. Allele origin: germline. Affected: yes.
Comment: Published functional studies demonstrate a damaging effect with loss of NEMO activity (PMID: 28702714); Frameshift variant predicted to result in protein truncation or nonsense mediated decay in a gene for which loss of function is a known mechanism of disease; No data available from control populations to assess the frequency of this variant; This variant is associated with the following publications: (PMID: 18350553, 28702714, 16228229, 23406512)